The following is an entry in ClinVar:

NM_001267550.2(TTN):c.79780C>A (p.Leu26594Ile)

Genes: TTN (titin; minus strand), TTN-AS1 (TTN antisense RNA 1; plus strand). Cytogenetic location: 2q31.2.
Variant type: single nucleotide variant.
Coding change: c.79780C>A on transcript NM_001267550.2 (MANE Select); coding-DNA position 79780, C replaced by A.
Protein change: p.Leu26594Ile; replaces leucine 26594 with isoleucine.
Molecular consequence: missense variant.
Genome position (GRCh38, 1-based): chr2:178,566,352, G>T on the plus strand (C>A on the coding strand, the complement: TTN is on the minus strand). VCF-style: chr2-178566352-G-T. GRCh37 (hg19) VCF-style: chr2-179431079-G-T.
Other names: c.74857C>A, p.Leu24953Ile (NM_001256850.1); c.52585C>A, p.Leu17529Ile (NM_003319.4); c.72076C>A, p.Leu24026Ile (NM_133378.4); c.52960C>A, p.Leu17654Ile (NM_133432.3); c.53161C>A, p.Leu17721Ile (NM_133437.4); short protein forms L17654I, L17721I, L24026I, L17529I, L24953I, L26594I.
Identifiers: ClinVar variation 672268 (VCV000672268.4), dbSNP rs759737599, ClinGen allele CA1989436.
Genomic context (GRCh38, chr2:178,566,352, plus strand): 5'-TGTGAATTCTGGCAGATCCACCAGCTCTTACAACAATTCCTTTTCTTAATTCGGAGTCAA[G>T]GTCAAGTTCAGGTGCTTCAAGTTTATCTTCTGGTTTCACAGTACCAGGAACTGATGTAGC-3'
Protein context (NP_001254479.2, residues 26584-26604): EDKLEAPELD[Leu26594Ile]DSELRKGIVV

ClinVar aggregate classification (germline): Conflicting classifications of pathogenicity. Review status: criteria provided, conflicting classifications (1 of 4 stars). 2 submissions from 2 submitters: Uncertain significance (1); Likely benign (1). Last evaluated 2019-10-09.

Allele frequency attached by ClinVar (database versions not stated): gnomAD exomes 0.00002 and 0.00006; TOPMed 0.00003; ExAC 0.00004.
gnomAD v4.1: 13 of 1,613,518 alleles (0.00081%); highest among the groups gnomAD compares: Admixed American, 0.022%; no homozygotes.

Submissions (2):

Revvity Omics, Revvity
Classification: Uncertain significance. Last evaluated: 2019-10-09. Review status: criteria provided, single submitter. Criteria: ACMG Guidelines, 2015. Collection method: clinical testing. Allele origin: germline.

GeneDx
Classification: Likely benign. Last evaluated: 2018-06-18. Review status: criteria provided, single submitter. Criteria: GeneDx Variant Classification (06012015). Collection method: clinical testing. Allele origin: germline. Affected: yes.
Comment: This variant is considered likely benign or benign based on one or more of the following criteria: it is a conservative change, it occurs at a poorly conserved position in the protein, it is predicted to be benign by multiple in silico algorithms, and/or has population frequency not consistent with disease.